The following is an entry in ClinVar:

NM_018965.4(TREM2):c.155G>A (p.Arg52His)

Gene: TREM2 (triggering receptor expressed on myeloid cells 2; minus strand). Cytogenetic location: 6p21.1.
Variant type: single nucleotide variant.
Coding change: c.155G>A on transcript NM_018965.4 (MANE Select); coding-DNA position 155, G replaced by A.
Protein change: p.Arg52His; replaces arginine 52 with histidine.
Molecular consequence: missense variant.
Genome position (GRCh38, 1-based): chr6:41,161,499, C>T on the plus strand (G>A on the coding strand, the complement: TREM2 is on the minus strand). VCF-style: chr6-41161499-C-T. GRCh37 (hg19) VCF-style: chr6-41129237-C-T.
Other names: c.155G>A, p.Arg52His (NM_001271821.2); short protein forms R52H.
Identifiers: ClinVar variation 2136385 (VCV002136385.1), dbSNP rs374851046, ClinGen allele CA3798954.
Genomic context (GRCh38, chr6:41,161,499, plus strand): 5'-AGCAGCCACAAGTTGTGCGTGCTGACCACACGCTGGCATGGGCCCTTCTCTCCCAGCTGG[C>T]GGCACCAGGCCTTGCGCCTCCCCCAGTGCTTCATGGAGTCATAGGGGCAAGACACCTGCA-3'
Protein context (NP_061838.1, residues 42-62): KHWGRRKAWC[Arg52His]QLGEKGPCQR

ClinVar aggregate classification (germline): Uncertain significance (1 of 4 stars; one submission).

Allele frequency attached by ClinVar (database versions not stated): gnomAD 0.00001; gnomAD exomes 0.00001; TOPMed 0.00001; ExAC 0.00002; ESP Exome Variant Server 0.00008.
gnomAD v4.1: 13 of 1,614,082 alleles (0.00081%); highest among the groups gnomAD compares: East Asian, 0.0045%; no homozygotes.

Submission:

Labcorp Genetics (formerly Invitae), Labcorp
Classification: Uncertain significance. Last evaluated: 2022-09-27. Review status: criteria provided, single submitter. Criteria: Invitae Variant Classification Sherloc (09022015). Collection method: clinical testing. Allele origin: germline.
Comment: This sequence change replaces arginine, which is basic and polar, with histidine, which is basic and polar, at codon 52 of the TREM2 protein (p.Arg52His). This variant is present in population databases (rs374851046, gnomAD 0.01%). This missense change has been observed in individual(s) with clinical features of Alzheimer disease (PMID: 24899047). Algorithms developed to predict the effect of missense changes on protein structure and function are either unavailable or do not agree on the potential impact of this missense change (SIFT: "Deleterious"; PolyPhen-2: "Probably Damaging"; Align-GVGD: "Class C0"). In summary, the available evidence is currently insufficient to determine the role of this variant in disease. Therefore, it has been classified as a Variant of Uncertain Significance.

Literature cited by the submitters: PubMed 24899047.